The following is an entry in ClinVar:

NM_020433.5(JPH2):c.958G>T (p.Asp320Tyr)

Gene: JPH2 (junctophilin 2; minus strand). Cytogenetic location: 20q13.12.
Variant type: single nucleotide variant.
Coding change: c.958G>T on transcript NM_020433.5 (MANE Select); coding-DNA position 958, G replaced by T.
Protein change: p.Asp320Tyr; replaces aspartic acid 320 with tyrosine.
Molecular consequence: missense variant.
Genome position (GRCh38, 1-based): chr20:44,159,829, C>A on the plus strand (G>T on the coding strand, the complement: JPH2 is on the minus strand). VCF-style: chr20-44159829-C-A. GRCh37 (hg19) VCF-style: chr20-42788469-C-A.
Other names: short protein forms D320Y.
Identifiers: ClinVar variation 3658982 (VCV003658982.2).

ClinVar aggregate classification (germline): Uncertain significance (1 of 4 stars; one submission).

Conditions:
Hypertrophic cardiomyopathy. Also called: HYPERTROPHIC MYOCARDIOPATHY. Identifiers: Orphanet 217569, MedGen C0007194, MeSH D002312, MONDO:0005045, HP:0001639.

Submission:

Labcorp Genetics (formerly Invitae), Labcorp
Classification: Uncertain significance for Hypertrophic cardiomyopathy. Last evaluated: 2024-07-08. Review status: criteria provided, single submitter. Criteria: Invitae Variant Classification Sherloc (09022015). Collection method: clinical testing. Allele origin: germline.
Comment: This sequence change replaces aspartic acid, which is acidic and polar, with tyrosine, which is neutral and polar, at codon 320 of the JPH2 protein (p.Asp320Tyr). This variant is not present in population databases (gnomAD no frequency). This variant has not been reported in the literature in individuals affected with JPH2-related conditions. An algorithm developed to predict the effect of missense changes on protein structure and function (PolyPhen-2) suggests that this variant is likely to be disruptive. In summary, the available evidence is currently insufficient to determine the role of this variant in disease. Therefore, it has been classified as a Variant of Uncertain Significance.